The following is an entry in ClinVar:

ClinVar aggregate classification (germline): Benign/Likely benign. Review status: criteria provided, multiple submitters, no conflicts (2 of 4 stars). 3 submissions from 3 submitters: Benign (1); Likely benign (2). Last evaluated 2024-04-02.

Conditions:
Hereditary cancer-predisposing syndrome. Also called: Hereditary neoplastic syndrome; Hereditary Cancer Syndrome; Tumor predisposition; Neoplastic Syndromes, Hereditary. Identifiers: Orphanet 140162, MedGen C0027672, MeSH D009386, MONDO:0015356.
Familial adenomatous polyposis 1 (FAP1). Also called: POLYPOSIS, ADENOMATOUS INTESTINAL; FAMILIAL ADENOMATOUS POLYPOSIS 1, ATTENUATED. Identifiers: MedGen C2713442, MONDO:0021056, OMIM 175100. Disease mechanism: loss of function.

Submissions (3):

Myriad Genetics, Inc.
Classification: Benign for Familial adenomatous polyposis 1. Last evaluated: 2024-04-02. Review status: criteria provided, single submitter. Criteria: Myriad Autosomal Dominant, Autosomal Recessive and X-Linked Classification Criteria (2023). Collection method: clinical testing. Allele origin: unknown.
Comment: This variant is considered benign. This variant is a silent/synonymous amino acid change and it is not expected to impact splicing.

Labcorp Genetics (formerly Invitae), Labcorp
Classification: Likely benign for Familial adenomatous polyposis 1. Last evaluated: 2023-01-06. Review status: criteria provided, single submitter. Criteria: Invitae Variant Classification Sherloc (09022015). Collection method: clinical testing. Allele origin: germline.

Ambry Genetics
Classification: Likely benign for Hereditary cancer-predisposing syndrome. Last evaluated: 2021-04-10. Review status: criteria provided, single submitter. Criteria: Ambry Variant Classification Scheme 2023. Collection method: clinical testing. Allele origin: germline.

NM_000038.6(APC):c.5757T>C (p.Asn1919=)

Gene: APC (APC regulator of Wnt signaling pathway; plus strand). Cytogenetic location: 5q22.2.
Variant type: single nucleotide variant.
Coding change: c.5757T>C on transcript NM_000038.6 (MANE Select); coding-DNA position 5757, T replaced by C.
Protein change: p.Asn1919=; no amino-acid change (asparagine 1919 retained).
Molecular consequence: synonymous variant.
Genome position (GRCh38, 1-based): chr5:112,841,351, T>C. VCF-style: chr5-112841351-T-C. GRCh37 (hg19) VCF-style: chr5-112177048-T-C.
Other names: c.5757T>C, p.Asn1919= (NM_001127510.3, NM_001354895.2); c.5703T>C, p.Asn1901= (NM_001127511.3); c.5811T>C, p.Asn1937= (NM_001354896.2); c.5787T>C, p.Asn1929= (NM_001354897.2); c.5682T>C, p.Asn1894= (NM_001354898.2); c.5673T>C, p.Asn1891= (NM_001354899.2); c.5634T>C, p.Asn1878= (NM_001354900.2); c.5580T>C, p.Asn1860= (NM_001354901.2); and 5 more.
Identifiers: ClinVar variation 1153713 (VCV001153713.13), dbSNP rs2149948420, ClinGen allele CA446209425.